The following is an entry in ClinVar:

NM_003803.4(MYOM1):c.3610G>T (p.Asp1204Tyr)

Gene: MYOM1 (myomesin 1; minus strand). Cytogenetic location: 18p11.31.
Variant type: single nucleotide variant.
Coding change: c.3610G>T on transcript NM_003803.4 (MANE Select); coding-DNA position 3610, G replaced by T.
Protein change: p.Asp1204Tyr; replaces aspartic acid 1204 with tyrosine.
Molecular consequence: missense variant.
Genome position (GRCh38, 1-based): chr18:3,100,392, C>A on the plus strand (G>T on the coding strand, the complement: MYOM1 is on the minus strand). VCF-style: chr18-3100392-C-A. GRCh37 (hg19) VCF-style: chr18-3100390-C-A.
Other names: c.3322G>T, p.Asp1108Tyr (NM_019856.2); short protein forms D1204Y, D1108Y.
Identifiers: ClinVar variation 2903173 (VCV002903173.4), dbSNP rs943467463, ClinGen allele CA295497710.

ClinVar aggregate classification (germline): Uncertain significance. Review status: criteria provided, multiple submitters, no conflicts (2 of 4 stars). 2 submissions from 2 submitters: Uncertain significance (2). Last evaluated 2024-07-11.

Conditions:
Hypertrophic cardiomyopathy. Also called: HYPERTROPHIC MYOCARDIOPATHY. Identifiers: Orphanet 217569, MedGen C0007194, MeSH D002312, MONDO:0005045, HP:0001639.

Submissions (2):

Ambry Genetics
Classification: Uncertain significance. Last evaluated: 2024-07-11. Review status: criteria provided, single submitter. Criteria: Ambry Variant Classification Scheme 2023. Collection method: clinical testing. Allele origin: germline.
Comment: The p.D1204Y variant (also known as c.3610G>T), located in coding exon 23 of the MYOM1 gene, results from a G to T substitution at nucleotide position 3610. The aspartic acid at codon 1204 is replaced by tyrosine, an amino acid with highly dissimilar properties. This amino acid position is conserved. In addition, this alteration is predicted to be deleterious by in silico analysis. Based on the available evidence, the clinical significance of this variant remains unclear.

Labcorp Genetics (formerly Invitae), Labcorp
Classification: Uncertain significance for Hypertrophic cardiomyopathy. Last evaluated: 2022-11-15. Review status: criteria provided, single submitter. Criteria: Invitae Variant Classification Sherloc (09022015). Collection method: clinical testing. Allele origin: germline.
Comment: In summary, the available evidence is currently insufficient to determine the role of this variant in disease. Therefore, it has been classified as a Variant of Uncertain Significance. Advanced modeling of protein sequence and biophysical properties (such as structural, functional, and spatial information, amino acid conservation, physicochemical variation, residue mobility, and thermodynamic stability) has been performed at Invitae for this missense variant, however the output from this modeling did not meet the statistical confidence thresholds required to predict the impact of this variant on MYOM1 protein function. This variant has not been reported in the literature in individuals affected with MYOM1-related conditions. This variant is not present in population databases (gnomAD no frequency). This sequence change replaces aspartic acid, which is acidic and polar, with tyrosine, which is neutral and polar, at codon 1204 of the MYOM1 protein (p.Asp1204Tyr).